The following is an entry in ClinVar:

ClinVar aggregate classification (germline): Uncertain significance. Review status: criteria provided, multiple submitters, no conflicts (2 of 4 stars). 2 submissions from 2 submitters: Uncertain significance (2). Last evaluated 2024-07-10.

Conditions:
Inborn genetic diseases. Identifiers: MedGen C0950123, MeSH D030342.

Allele frequency attached by ClinVar (database versions not stated): ExAC 0.00003; gnomAD 0.00006; TOPMed 0.00006.
gnomAD v4.1: 162 of 1,587,932 alleles (0.01%); highest among the groups gnomAD compares: Non-Finnish European, 0.013%; no homozygotes.

Submissions (2):

Ambry Genetics
Classification: Uncertain significance for Inborn genetic diseases. Last evaluated: 2024-07-10. Review status: criteria provided, single submitter. Criteria: Ambry Variant Classification Scheme 2023. Collection method: clinical testing. Allele origin: germline.

Labcorp Genetics (formerly Invitae), Labcorp
Classification: Uncertain significance. Last evaluated: 2022-08-20. Review status: criteria provided, single submitter. Criteria: Invitae Variant Classification Sherloc (09022015). Collection method: clinical testing. Allele origin: germline.
Comment: This sequence change replaces aspartic acid, which is acidic and polar, with glutamic acid, which is acidic and polar, at codon 779 of the VPS13A protein (p.Asp779Glu). This variant is present in population databases (rs781022125, gnomAD 0.01%). This variant has not been reported in the literature in individuals affected with VPS13A-related conditions. Algorithms developed to predict the effect of missense changes on protein structure and function are either unavailable or do not agree on the potential impact of this missense change (SIFT: "Tolerated"; PolyPhen-2: "Possibly Damaging"; Align-GVGD: "Class C0"). In summary, the available evidence is currently insufficient to determine the role of this variant in disease. Therefore, it has been classified as a Variant of Uncertain Significance.

NM_033305.3(VPS13A):c.2337T>A (p.Asp779Glu)

Gene: VPS13A (vacuolar protein sorting 13 homolog A; plus strand). Cytogenetic location: 9q21.2.
Variant type: single nucleotide variant.
Coding change: c.2337T>A on transcript NM_033305.3 (MANE Select); coding-DNA position 2337, T replaced by A.
Protein change: p.Asp779Glu; replaces aspartic acid 779 with glutamic acid.
Molecular consequence: missense variant.
Genome position (GRCh38, 1-based): chr9:77,260,134, T>A. VCF-style: chr9-77260134-T-A. GRCh37 (hg19) VCF-style: chr9-79875050-T-A.
Other names: c.2337T>A, p.Asp779Glu (NM_001018037.2, NM_001018038.3, NM_015186.4); c.2337T>A (NM_033305.2); short protein forms D779E.
Identifiers: ClinVar variation 2037716 (VCV002037716.2), dbSNP rs781022125, ClinGen allele CA5091929.